The following is an entry in ClinVar:

NM_000465.4(BARD1):c.687T>C (p.Phe229=)

Gene: BARD1 (BRCA1 associated RING domain 1; minus strand). Cytogenetic location: 2q35.
Variant type: single nucleotide variant.
Coding change: c.687T>C on transcript NM_000465.4 (MANE Select); coding-DNA position 687, T replaced by C.
Protein change: p.Phe229=; no amino-acid change (phenylalanine 229 retained).
Molecular consequence: synonymous variant. On other transcripts: non-coding transcript variant (2), intron variant (3).
Genome position (GRCh38, 1-based): chr2:214,781,187, A>G on the plus strand (T>C on the coding strand, the complement: BARD1 is on the minus strand). VCF-style: chr2-214781187-A-G. GRCh37 (hg19) VCF-style: chr2-215645911-A-G.
Other names: c.630T>C, p.Phe210= (NM_001282543.2); c.158+28225T>C (NM_001282548.2); c.215+15874T>C (NM_001282545.2); c.364+11110T>C (NM_001282549.2).
Identifiers: ClinVar variation 377554 (VCV000377554.26), dbSNP rs756803590, ClinGen allele CA2090396.
Genomic context (GRCh38, chr2:214,781,187, plus strand): 5'-GATAACAGATGGTTGGCTACAGAAGGATACCAGCTTTTGCTTAGATTCCTCTTTGGAGTC[A>G]AATTCACCATCTTCTTTTTCTGCCTCTAAATTCCATTTTTGGTTGATTTCAGCTAAAGTT-3'
Protein context (NP_000456.2, residues 219-239): NLEAEKEDGE[Phe229=]DSKEESKQKL

ClinVar aggregate classification (germline): Benign/Likely benign. Review status: criteria provided, multiple submitters, no conflicts (2 of 4 stars). 8 submissions from 8 submitters: Benign (1); Likely benign (6). 1 of the submissions does not count toward it. Last evaluated 2026-01-10.

Conditions:
BARD1-related disorder. Also called: BARD1-related condition.
Hereditary cancer-predisposing syndrome. Also called: Hereditary neoplastic syndrome; Hereditary Cancer Syndrome; Neoplastic Syndromes, Hereditary; Tumor predisposition. Identifiers: Orphanet 140162, MedGen C0027672, MeSH D009386, MONDO:0015356.
Familial cancer of breast. Also called: BREAST CANCER, FAMILIAL; hereditary breast carcinoma; Hereditary breast cancer. Identifiers: Orphanet 227535, MedGen C0346153, MONDO:0016419, OMIM 114480. Disease mechanism: loss of function.

Allele frequency attached by ClinVar (database versions not stated): gnomAD exomes below 0.00001 and 0.00001; ExAC 0.00003; TOPMed 0.00004; gnomAD 0.00007 and 0.00008.
gnomAD v4.1: 17 of 1,587,838 alleles (0.0011%); highest among the groups gnomAD compares: African/African-American, 0.022%; no homozygotes.

Submissions (8):

Labcorp Genetics (formerly Invitae), Labcorp
Classification: Likely benign for Familial cancer of breast. Last evaluated: 2026-01-10. Review status: criteria provided, single submitter. Criteria: Invitae Variant Classification Sherloc (09022015). Collection method: clinical testing. Allele origin: germline.

Myriad Genetics, Inc.
Classification: Benign for Familial cancer of breast. Last evaluated: 2024-07-22. Review status: criteria provided, single submitter. Criteria: Myriad Autosomal Dominant, Autosomal Recessive and X-Linked Classification Criteria (2023). Collection method: clinical testing. Allele origin: unknown.
Comment: This variant is considered benign. This variant is a silent/synonymous amino acid change and it is not expected to impact splicing.

Quest Diagnostics Nichols Institute San Juan Capistrano
Classification: Likely benign. Last evaluated: 2023-01-11. Review status: criteria provided, single submitter. Criteria: Quest Diagnostics criteria. Collection method: clinical testing. Allele origin: unknown.

Women's Health and Genetics/Laboratory Corporation of America, LabCorp
Classification: Likely benign. Last evaluated: 2019-08-21. Review status: criteria provided, single submitter. Criteria: LabCorp Variant Classification Summary - May 2015. Collection method: clinical testing. Allele origin: germline.

Color Diagnostics, LLC DBA Color Health
Classification: Likely benign for Hereditary cancer-predisposing syndrome. Last evaluated: 2018-11-05. Review status: criteria provided, single submitter. Criteria: ACMG Guidelines, 2015. Collection method: clinical testing. Allele origin: germline.

Ambry Genetics
Classification: Likely benign for Hereditary cancer-predisposing syndrome. Last evaluated: 2016-03-09. Review status: criteria provided, single submitter. Criteria: Ambry Variant Classification Scheme 2023. Collection method: clinical testing. Allele origin: germline.

GeneDx
Classification: Likely benign. Last evaluated: 2015-12-10. Review status: criteria provided, single submitter. Criteria: GeneDx Variant Classification (06012015). Collection method: clinical testing. Allele origin: germline. Affected: yes.
Comment: This variant is considered likely benign or benign based on one or more of the following criteria: it is a conservative change, it occurs at a poorly conserved position in the protein, it is predicted to be benign by multiple in silico algorithms, and/or has population frequency not consistent with disease.

PreventionGenetics, part of Exact Sciences
Classification: Likely benign for BARD1-related condition. Last evaluated: 2019-06-17. Review status: no assertion criteria provided. Collection method: clinical testing. Allele origin: germline. Not counted in ClinVar's aggregate classification.
Comment: This variant is classified as likely benign based on ACMG/AMP sequence variant interpretation guidelines (Richards et al. 2015 PMID: 25741868, with internal and published modifications).